The following is an entry in ClinVar:

NM_024876.4(COQ8B):c.1304C>T (p.Ser435Phe)

Gene: COQ8B (coenzyme Q8B; minus strand). Cytogenetic location: 19q13.2.
Variant type: single nucleotide variant.
Coding change: c.1304C>T on transcript NM_024876.4 (MANE Select); coding-DNA position 1304, C replaced by T.
Protein change: p.Ser435Phe; replaces serine 435 with phenylalanine.
Molecular consequence: missense variant.
Genome position (GRCh38, 1-based): chr19:40,692,366, G>A on the plus strand (C>T on the coding strand, the complement: COQ8B is on the minus strand). VCF-style: chr19-40692366-G-A. GRCh37 (hg19) VCF-style: chr19-41198271-G-A.
Other names: c.1181C>T, p.Ser394Phe (NM_001142555.3); short protein forms S394F, S435F.
Identifiers: ClinVar variation 1185787 (VCV001185787.7), dbSNP rs1218997842, ClinGen allele CA405958132.
Genomic context (GRCh38, chr19:40,692,366, plus strand): 5'-TAAGGGCCCTGGGTGGCGAAAGGCTCCCCCAGGATCATCACTGCCTCCACGTGGGCGTCG[G>A]AGAATGCCTGGGAGTGGGGGTGGGGGGAGAGCAAAGGCAGCCAGTGTGGACATAGAGCCC-3'
Protein context (NP_079152.3, residues 425-445): FLTGFETKAF[Ser435Phe]DAHVEAVMIL

ClinVar aggregate classification (germline): Uncertain significance. Review status: criteria provided, multiple submitters, no conflicts (2 of 4 stars). 2 submissions from 2 submitters: Uncertain significance (2). Last evaluated 2023-05-23.

Allele frequency attached by ClinVar (database versions not stated): gnomAD 0.00001 and 0.00002; gnomAD exomes 0.00002.

Submissions (2):

Labcorp Genetics (formerly Invitae), Labcorp
Classification: Uncertain significance. Last evaluated: 2023-05-23. Review status: criteria provided, single submitter. Criteria: Invitae Variant Classification Sherloc (09022015). Collection method: clinical testing. Allele origin: germline.
Comment: This variant is present in population databases (no rsID available, gnomAD 0.007%). This sequence change replaces serine, which is neutral and polar, with phenylalanine, which is neutral and non-polar, at codon 435 of the COQ8B protein (p.Ser435Phe). This variant has not been reported in the literature in individuals affected with COQ8B-related conditions. ClinVar contains an entry for this variant (Variation ID: 1185787). Advanced modeling of protein sequence and biophysical properties (such as structural, functional, and spatial information, amino acid conservation, physicochemical variation, residue mobility, and thermodynamic stability) performed at Invitae indicates that this missense variant is not expected to disrupt COQ8B protein function. In summary, the available evidence is currently insufficient to determine the role of this variant in disease. Therefore, it has been classified as a Variant of Uncertain Significance.

GeneDx
Classification: Uncertain significance. Last evaluated: 2021-06-24. Review status: criteria provided, single submitter. Criteria: GeneDx Variant Classification Process June 2021. Collection method: clinical testing. Allele origin: germline. Affected: yes.
Comment: Not observed at significant frequency in large population cohorts (Lek et al., 2016); In silico analysis supports that this missense variant has a deleterious effect on protein structure/function; Has not been previously published as pathogenic or benign to our knowledge